The following is an entry in ClinVar:

NM_000494.4(COL17A1):c.3766+1G>C

Gene: COL17A1 (collagen type XVII alpha 1 chain; minus strand). Cytogenetic location: 10q25.1.
Variant type: single nucleotide variant.
Coding change: c.3766+1G>C on transcript NM_000494.4 (MANE Select); the canonical splice donor site of the intron after coding-DNA position 3766, G replaced by C.
Molecular consequence: splice donor variant.
Genome position (GRCh38, 1-based): chr10:104,034,620, C>G on the plus strand (G>C on the coding strand, the complement: COL17A1 is on the minus strand). VCF-style: chr10-104034620-C-G. GRCh37 (hg19) VCF-style: chr10-105794378-C-G.
Identifiers: ClinVar variation 1458976 (VCV001458976.9), dbSNP rs2086256572, ClinGen allele CA378065896.
Genomic context (GRCh38, chr10:104,034,620, plus strand): 5'-CTTACAGGGAAAAGCAAGGCCTGCGGGGTGCCTGGTGGGGCATCACCGTCGGGGCACCTA[C>G]TTGTGAGGTAGCTGATCAGCTCGCTCCGGAAGCTGTCGCTGTTTTCAGCTGCATAGGTTG-3'

ClinVar aggregate classification (germline): Pathogenic. Review status: criteria provided, multiple submitters, no conflicts (2 of 4 stars). 3 submissions from 3 submitters: Pathogenic (3). Last evaluated 2024-11-15.

Conditions:
Epidermolysis bullosa, junctional 4, intermediate. Also called: Epidermolysis bullosa, junctional, localisata variant; EPIDERMOLYSIS BULLOSA, JUNCTIONAL 4, NON-HERLITZ TYPE; EPIDERMOLYSIS BULLOSA, GENERALIZED ATROPHIC BENIGN. Identifiers: MedGen C2608084, MONDO:0030750, OMIM 619787.

Allele frequency attached by ClinVar (database versions not stated): gnomAD 0.00001; TOPMed 0.00001.
gnomAD v4.1: 1 of 1,609,618 alleles (0.000062%); highest among the groups gnomAD compares: Non-Finnish European, 0.000085%; no homozygotes.

Submissions (3):

GeneDx
Classification: Pathogenic. Last evaluated: 2024-11-15. Review status: criteria provided, single submitter. Criteria: GeneDx Variant Classification Process June 2021. Collection method: clinical testing. Allele origin: germline. Affected: yes.
Comment: Canonical splice site variant predicted to result in a null allele in a gene for which loss of function is a known mechanism of disease; Not observed at significant frequency in large population cohorts (gnomAD); This variant is associated with the following publications: (PMID: 25525159, 16473856, 10636730)

Labcorp Genetics (formerly Invitae), Labcorp
Classification: Pathogenic. Last evaluated: 2023-02-17. Review status: criteria provided, single submitter. Criteria: Invitae Variant Classification Sherloc (09022015). Collection method: clinical testing. Allele origin: germline.
Comment: ClinVar contains an entry for this variant (Variation ID: 1458976). This variant is also known as c.3871+1G>C. Disruption of this splice site has been observed in individual(s) with autosomal recessive generalized atrophic benign epidermolysis bullosa (PMID: 10636730, 16473856). In at least one individual the data is consistent with being in trans (on the opposite chromosome) from a pathogenic variant. This variant is not present in population databases (gnomAD no frequency). This sequence change affects a donor splice site in intron 51 of the COL17A1 gene. It is expected to disrupt RNA splicing. Variants that disrupt the donor or acceptor splice site typically lead to a loss of protein function (PMID: 16199547), and loss-of-function variants in COL17A1 are known to be pathogenic (PMID: 16473856, 17344927, 20301304, 21357940, 24319098). For these reasons, this variant has been classified as Pathogenic. Algorithms developed to predict the effect of sequence changes on RNA splicing suggest that this variant may disrupt the consensus splice site.

Greenwood Genetic Center Diagnostic Laboratories, Greenwood Genetic Center
Classification: Pathogenic for Epidermolysis bullosa, junctional 4, intermediate. Last evaluated: 2022-08-06. Review status: criteria provided, single submitter. Criteria: ACMG Guidelines, 2015. Collection method: clinical testing. Allele origin: germline. Affected: yes.
Comment: PVS1 PM2 PS3

Literature cited by the submitters: PubMed 10636730 (cited by Labcorp Genetics (formerly Invitae), Labcorp); PubMed 16473856 (cited by Labcorp Genetics (formerly Invitae), Labcorp); PubMed 16199547 (cited by Labcorp Genetics (formerly Invitae), Labcorp); PubMed 17344927 (cited by Labcorp Genetics (formerly Invitae), Labcorp); PubMed 20301304 (cited by Labcorp Genetics (formerly Invitae), Labcorp); PubMed 21357940 (cited by Labcorp Genetics (formerly Invitae), Labcorp); PubMed 24319098 (cited by Labcorp Genetics (formerly Invitae), Labcorp).